The following is an entry in ClinVar:

NM_004655.4(AXIN2):c.1735C>G (p.Pro579Ala)

Gene: AXIN2 (axin 2; minus strand). Cytogenetic location: 17q24.1.
Variant type: single nucleotide variant.
Coding change: c.1735C>G on transcript NM_004655.4 (MANE Select); coding-DNA position 1735, C replaced by G.
Protein change: p.Pro579Ala; replaces proline 579 with alanine.
Molecular consequence: missense variant. On other transcripts: intron variant (1).
Genome position (GRCh38, 1-based): chr17:65,537,041, G>C on the plus strand (C>G on the coding strand, the complement: AXIN2 is on the minus strand). VCF-style: chr17-65537041-G-C. GRCh37 (hg19) VCF-style: chr17-63533159-G-C.
Other names: c.1712+283C>G (NM_001363813.1); short protein forms P579A.
Identifiers: ClinVar variation 1779058 (VCV001779058.2), dbSNP rs1234437759, ClinGen allele CA400676720.
Genomic context (GRCh38, chr17:65,537,041, plus strand): 5'-CCCCTCCTTCCCTGGCGGGCAGGGCCAGGCCCGGCTCCGTGCCTTTCCCATTGCGTTTGG[G>C]CAAGGTACTGCCTCTGCTGCCGCTGTGGGGAACCAAGAACCACACCCAACCCAGAGACCC-3'
Protein context (NP_004646.3, residues 569-589): QFGGSRGSTL[Pro579Ala]KRNGKGTEPG

ClinVar aggregate classification (germline): Uncertain significance (1 of 4 stars; one submission).

Conditions:
Hereditary cancer-predisposing syndrome. Also called: Neoplastic Syndromes, Hereditary; Tumor predisposition; Hereditary Cancer Syndrome; Hereditary neoplastic syndrome. Identifiers: Orphanet 140162, MedGen C0027672, MeSH D009386, MONDO:0015356.

Submission:

Ambry Genetics
Classification: Uncertain significance for Hereditary cancer-predisposing syndrome. Last evaluated: 2022-04-21. Review status: criteria provided, single submitter. Criteria: Ambry Variant Classification Scheme 2023. Collection method: clinical testing. Allele origin: germline.
Comment: The p.P579A variant (also known as c.1735C>G), located in coding exon 6 of the AXIN2 gene, results from a C to G substitution at nucleotide position 1735. The proline at codon 579 is replaced by alanine, an amino acid with highly similar properties. This amino acid position is conserved. In addition, this alteration is predicted to be tolerated by in silico analysis. Since supporting evidence is limited at this time, the clinical significance of this alteration remains unclear.